The following is an entry in ClinVar:

NM_001830.4(CLCN4):c.1390-1G>A

Gene: CLCN4 (chloride voltage-gated channel 4; plus strand). Cytogenetic location: Xp22.2.
Variant type: single nucleotide variant.
Coding change: c.1390-1G>A on transcript NM_001830.4 (MANE Select); the canonical splice acceptor site of the intron before coding-DNA position 1390, G replaced by A.
Molecular consequence: splice acceptor variant.
Genome position (GRCh38, 1-based): chrX:10,212,466, G>A. VCF-style: chrX-10212466-G-A. GRCh37 (hg19) VCF-style: chrX-10180506-G-A.
Other names: c.1108-1G>A (NM_001256944.2).
Identifiers: ClinVar variation 1349664 (VCV001349664.8), dbSNP rs2147182584, ClinGen allele CA412040344.

ClinVar aggregate classification (germline): Likely pathogenic (1 of 4 stars; one submission).

Submission:

Labcorp Genetics (formerly Invitae), Labcorp
Classification: Likely pathogenic. Last evaluated: 2021-06-24. Review status: criteria provided, single submitter. Criteria: Invitae Variant Classification Sherloc (09022015). Collection method: clinical testing. Allele origin: germline.
Comment: In summary, the currently available evidence indicates that the variant is pathogenic, but additional data are needed to prove that conclusively. Therefore, this variant has been classified as Likely Pathogenic. Algorithms developed to predict the effect of sequence changes on RNA splicing suggest that this variant may disrupt the consensus splice site, but this prediction has not been confirmed by published transcriptional studies. This variant has not been reported in the literature in individuals with CLCN4-related conditions. This variant is not present in population databases (ExAC no frequency). This sequence change affects an acceptor splice site in intron 9 of the CLCN4 gene. It is expected to disrupt RNA splicing. Variants that disrupt the donor or acceptor splice site typically lead to a loss of protein function (PMID: 16199547), and loss-of-function variants in CLCN4 are known to be pathogenic (PMID: 27550844).

Literature cited by the submitters: PubMed 16199547; PubMed 27550844.